The following is an entry in ClinVar:

NM_206933.4(USH2A):c.3811+10C>A

Genes: USH2A (usherin; minus strand), USH2A-AS1 (USH2A antisense RNA 1; plus strand). Cytogenetic location: 1q41.
Variant type: single nucleotide variant.
Coding change: c.3811+10C>A on transcript NM_206933.4 (MANE Select); 10 bases into the intron after coding-DNA position 3811, C replaced by A.
Molecular consequence: intron variant.
Genome position (GRCh38, 1-based): chr1:216,199,617, G>T on the plus strand (C>A on the coding strand, the complement: USH2A is on the minus strand). VCF-style: chr1-216199617-G-T. GRCh37 (hg19) VCF-style: chr1-216372959-G-T.
Other names: c.3811+10C>A (NM_007123.6).
Identifiers: ClinVar variation 517364 (VCV000517364.17), dbSNP rs769756794, ClinGen allele CA1395918.
Genomic context (GRCh38, chr1:216,199,617, plus strand): 5'-ATTGCACAATTACAATAGATTCTCATTCATGTCTTGACCAAAAAGGGGAATCTCAGCCTT[G>T]GATTCTTACCATTTAGTTCCGCTGGTGGAGACCATTCTACATGAAGTTCTGTAGAACTGA-3'

ClinVar aggregate classification (germline): Likely benign. Review status: criteria provided, multiple submitters, no conflicts (2 of 4 stars). 5 submissions from 4 submitters: Likely benign (5). Last evaluated 2026-01-20.

Conditions:
Retinitis pigmentosa 39 (RP39). Identifiers: Orphanet 791, MedGen C3151138, MONDO:0013436, OMIM 613809.
Usher syndrome type 2A. Also called: RETINAL DISEASE IN USHER SYNDROME TYPE IIA, MODIFIER OF; USHER SYNDROME, TYPE IIA. Identifiers: Orphanet 231178, Orphanet 886, MedGen C1848634, MONDO:0010169, OMIM 276901.

Allele frequency attached by ClinVar (database versions not stated): gnomAD exomes 0.00002 and 0.00006; gnomAD 0.00003 and 0.00004; ExAC 0.00005; TOPMed 0.00007.
gnomAD v4.1: 28 of 1,613,618 alleles (0.0017%); highest among the groups gnomAD compares: East Asian, 0.06%; no homozygotes.

Submissions (5):

Labcorp Genetics (formerly Invitae), Labcorp
Classification: Likely benign. Last evaluated: 2026-01-20. Review status: criteria provided, single submitter. Criteria: Invitae Variant Classification Sherloc (09022015). Collection method: clinical testing. Allele origin: germline.

Blueprint Genetics
Classification: Likely benign. Last evaluated: 2024-08-30. Review status: criteria provided, single submitter. Criteria: ACMG Guidelines, 2015. Collection method: clinical testing. Allele origin: germline.

Genome-Nilou Lab
Classification: Likely benign for Retinitis pigmentosa 39. Last evaluated: 2023-04-11. Review status: criteria provided, single submitter. Criteria: ACMG Guidelines, 2015. Collection method: clinical testing. Allele origin: germline. Affected: no.

Genome-Nilou Lab
Classification: Likely benign for Usher syndrome type 2A. Last evaluated: 2023-04-11. Review status: criteria provided, single submitter. Criteria: ACMG Guidelines, 2015. Collection method: clinical testing. Allele origin: germline. Affected: no.

Laboratory for Molecular Medicine, Mass General Brigham Personalized Medicine
Classification: Likely benign. Last evaluated: 2017-05-22. Review status: criteria provided, single submitter. Criteria: LMM Criteria. Collection method: clinical testing. Allele origin: germline. Observed: 1 variant allele.
Comment: c.3811+10 C>A in intron 17 of USH2A: This variant is not expected to have clinic al significance because it is not located within the splice consensus sequence. It has been identified in 6/8584 East Asian chromosomes by the Exome Aggregation Consortium (ExAC; dbSNP rs769756794).